The following is an entry in ClinVar:

ClinVar aggregate classification (germline): Uncertain significance (1 of 4 stars; one submission).

Conditions:
Cardiovascular phenotype. Identifiers: MedGen CN230736.

Allele frequency attached by ClinVar (database versions not stated): TOPMed below 0.00001; gnomAD 0.00002.
gnomAD v4.1: 2 of 1,209,361 alleles (0.00017%); highest among the groups gnomAD compares: African/African-American, 0.0018%; no homozygotes.

Submission:

Ambry Genetics
Classification: Uncertain significance for Cardiovascular phenotype. Last evaluated: 2023-08-11. Review status: criteria provided, single submitter. Criteria: Ambry Variant Classification Scheme 2023. Collection method: clinical testing. Allele origin: germline.
Comment: The p.L2250F variant (also known as c.6748C>T), located in coding exon 46 of the DMD gene, results from a C to T substitution at nucleotide position 6748. The leucine at codon 2250 is replaced by phenylalanine, an amino acid with highly similar properties. This amino acid position is highly conserved in available vertebrate species. In addition, this alteration is predicted to be tolerated by in silico analysis. Since supporting evidence is limited at this time, the clinical significance of this alteration remains unclear.

NM_004006.3(DMD):c.6748C>T (p.Leu2250Phe)

Gene: DMD (dystrophin; minus strand). Cytogenetic location: Xp21.1.
Variant type: single nucleotide variant.
Coding change: c.6748C>T on transcript NM_004006.3 (MANE Select); coding-DNA position 6748, C replaced by T.
Protein change: p.Leu2250Phe; replaces leucine 2250 with phenylalanine.
Molecular consequence: missense variant. On other transcripts: 5 prime UTR variant (5).
Genome position (GRCh38, 1-based): chrX:31,932,094, G>A on the plus strand (C>T on the coding strand, the complement: DMD is on the minus strand). VCF-style: chrX-31932094-G-A. GRCh37 (hg19) VCF-style: chrX-31950211-G-A.
Other names: c.6724C>T, p.Leu2242Phe (NM_000109.4); c.6736C>T, p.Leu2246Phe (NM_004009.3); c.6379C>T, p.Leu2127Phe (NM_004010.3); c.2725C>T, p.Leu909Phe (NM_004011.4); c.2716C>T, p.Leu906Phe (NM_004012.4); c.-633C>T (NM_004013.3, NM_004020.4, NM_004021.3 and 2 more transcripts); short protein forms L2242F, L2246F, L906F, L2127F, L2250F, L909F.
Identifiers: ClinVar variation 2626678 (VCV002626678.2), dbSNP rs1261686336, ClinGen allele CA412658114.